The following is an entry in ClinVar:

ClinVar aggregate classification (germline): Uncertain significance (1 of 4 stars; one submission).

Conditions:
Hereditary cancer-predisposing syndrome. Also called: Neoplastic Syndromes, Hereditary; Tumor predisposition; Hereditary Cancer Syndrome; Hereditary neoplastic syndrome. Identifiers: Orphanet 140162, MedGen C0027672, MeSH D009386, MONDO:0015356.

Submission:

Ambry Genetics
Classification: Uncertain significance for Hereditary cancer-predisposing syndrome. Last evaluated: 2021-12-01. Review status: criteria provided, single submitter. Criteria: Ambry Variant Classification Scheme 2023. Collection method: clinical testing. Allele origin: germline.
Comment: The p.S287G variant (also known as c.859A>G), located in coding exon 6 of the RAD50 gene, results from an A to G substitution at nucleotide position 859. The serine at codon 287 is replaced by glycine, an amino acid with similar properties. This amino acid position is not well conserved in available vertebrate species. In addition, this alteration is predicted to be tolerated by in silico analysis. Since supporting evidence is limited at this time, the clinical significance of this alteration remains unclear.

NM_005732.4(RAD50):c.859A>G (p.Ser287Gly)

Gene: RAD50 (RAD50 double strand break repair protein; plus strand). Cytogenetic location: 5q31.1.
Variant type: single nucleotide variant.
Coding change: c.859A>G on transcript NM_005732.4 (MANE Select); coding-DNA position 859, A replaced by G.
Protein change: p.Ser287Gly; replaces serine 287 with glycine.
Molecular consequence: missense variant.
Genome position (GRCh38, 1-based): chr5:132,587,664, A>G. VCF-style: chr5-132587664-A-G. GRCh37 (hg19) VCF-style: chr5-131923356-A-G.
Other names: short protein forms S287G.
Identifiers: ClinVar variation 1763967 (VCV001763967.2), dbSNP rs2479631869, ClinGen allele CA360940484.